The following is an entry in ClinVar:

ClinVar aggregate classification (germline): Uncertain significance (1 of 4 stars; one submission).

gnomAD v4.1: 3 of 1,613,946 alleles (0.00019%); highest among the groups gnomAD compares: East Asian, 0.0022%; no homozygotes.

Submission:

Labcorp Genetics (formerly Invitae), Labcorp
Classification: Uncertain significance. Last evaluated: 2024-05-02. Review status: criteria provided, single submitter. Criteria: Invitae Variant Classification Sherloc (09022015). Collection method: clinical testing. Allele origin: germline.
Comment: This sequence change replaces aspartic acid, which is acidic and polar, with glutamic acid, which is acidic and polar, at codon 1499 of the VCAN protein (p.Asp1499Glu). This variant is present in population databases (rs756940964, gnomAD 0.01%). This variant has not been reported in the literature in individuals affected with VCAN-related conditions. Algorithms developed to predict the effect of missense changes on protein structure and function output the following: SIFT: "Not Available"; PolyPhen-2: "Benign"; Align-GVGD: "Not Available". The glutamic acid amino acid residue is found in multiple mammalian species, which suggests that this missense change does not adversely affect protein function. In summary, the available evidence is currently insufficient to determine the role of this variant in disease. Therefore, it has been classified as a Variant of Uncertain Significance.

NM_004385.5(VCAN):c.4497T>G (p.Asp1499Glu)

Genes: VCAN (versican; plus strand), VCAN-AS1 (VCAN antisense RNA 1; minus strand). Cytogenetic location: 5q14.3.
Variant type: single nucleotide variant.
Coding change: c.4497T>G on transcript NM_004385.5 (MANE Select); coding-DNA position 4497, T replaced by G.
Protein change: p.Asp1499Glu; replaces aspartic acid 1499 with glutamic acid.
Molecular consequence: missense variant. On other transcripts: intron variant (2).
Genome position (GRCh38, 1-based): chr5:83,537,500, T>G. VCF-style: chr5-83537500-T-G. GRCh37 (hg19) VCF-style: chr5-82833319-T-G.
Other names: c.1536T>G, p.Asp512Glu (NM_001164097.2); c.4004-8037T>G (NM_001164098.2); c.1043-8037T>G (NM_001126336.3); short protein forms D512E, D1499E.
Identifiers: ClinVar variation 3699438 (VCV003699438.2).